The following is an entry in ClinVar:

NM_002907.4(RECQL):c.868-14T>G

Gene: RECQL (RecQ like helicase; minus strand). Cytogenetic location: 12p12.1.
Variant type: single nucleotide variant.
Coding change: c.868-14T>G on transcript NM_002907.4 (MANE Select); 14 bases into the intron before coding-DNA position 868, T replaced by G.
Molecular consequence: intron variant.
Genome position (GRCh38, 1-based): chr12:21,477,006, A>C on the plus strand (T>G on the coding strand, the complement: RECQL is on the minus strand). VCF-style: chr12-21477006-A-C. GRCh37 (hg19) VCF-style: chr12-21629940-A-C.
Other names: c.868-14T>G (NM_032941.3).
Identifiers: ClinVar variation 2015987 (VCV002015987.4), dbSNP rs2540352581, ClinGen allele CA2580085312.

ClinVar aggregate classification (germline): Uncertain significance (1 of 4 stars; one submission).

Submission:

Labcorp Genetics (formerly Invitae), Labcorp
Classification: Uncertain significance. Last evaluated: 2022-07-11. Review status: criteria provided, single submitter. Criteria: Invitae Variant Classification Sherloc (09022015). Collection method: clinical testing. Allele origin: germline.
Comment: In summary, the available evidence is currently insufficient to determine the role of this variant in disease. Therefore, it has been classified as a Variant of Uncertain Significance. Algorithms developed to predict the effect of sequence changes on RNA splicing suggest that this variant may create or strengthen a splice site. This variant has not been reported in the literature in individuals affected with RECQL-related conditions. This variant is not present in population databases (gnomAD no frequency). This sequence change falls in intron 7 of the RECQL gene. It does not directly change the encoded amino acid sequence of the RECQL protein.